The following is an entry in ClinVar:

ClinVar aggregate classification (germline): Uncertain significance. Review status: criteria provided, multiple submitters, no conflicts (2 of 4 stars). 2 submissions from 2 submitters: Uncertain significance (2). Last evaluated 2025-07-08.

Conditions:
Joubert syndrome 21 (JBTS21). Identifiers: MedGen C3810212, MONDO:0014288, OMIM 615636.
Inborn genetic diseases. Identifiers: MedGen C0950123, MeSH D030342.

Allele frequency attached by ClinVar (database versions not stated): ExAC 0.00001; gnomAD exomes 0.00001; TOPMed 0.00001; gnomAD 0.00002.
gnomAD v4.1: 10 of 1,611,840 alleles (0.00062%); highest among the groups gnomAD compares: Non-Finnish European, 0.00085%; no homozygotes.

Submissions (2):

Ambry Genetics
Classification: Uncertain significance for Inborn genetic diseases. Last evaluated: 2025-07-08. Review status: criteria provided, single submitter. Criteria: Ambry Variant Classification Scheme 2023. Collection method: clinical testing. Allele origin: germline.

Labcorp Genetics (formerly Invitae), Labcorp
Classification: Uncertain significance for Joubert syndrome 21. Last evaluated: 2022-03-11. Review status: criteria provided, single submitter. Criteria: Invitae Variant Classification Sherloc (09022015). Collection method: clinical testing. Allele origin: germline.
Comment: This sequence change replaces aspartic acid, which is acidic and polar, with asparagine, which is neutral and polar, at codon 426 of the CSPP1 protein (p.Asp426Asn). This variant is present in population databases (rs773019719, gnomAD 0.003%). In summary, the available evidence is currently insufficient to determine the role of this variant in disease. Therefore, it has been classified as a Variant of Uncertain Significance. Algorithms developed to predict the effect of missense changes on protein structure and function output the following: SIFT: "Tolerated"; PolyPhen-2: "Benign"; Align-GVGD: "Class C0". The asparagine amino acid residue is found in multiple mammalian species, which suggests that this missense change does not adversely affect protein function. This variant has not been reported in the literature in individuals affected with CSPP1-related conditions.

NM_001382391.1(CSPP1):c.1291G>A (p.Asp431Asn)

Gene: CSPP1 (centrosome and spindle pole associated protein 1; plus strand). Cytogenetic location: 8q13.2.
Variant type: single nucleotide variant.
Coding change: c.1291G>A on transcript NM_001382391.1 (MANE Select); coding-DNA position 1291, G replaced by A.
Protein change: p.Asp431Asn; replaces aspartic acid 431 with asparagine.
Molecular consequence: missense variant.
Genome position (GRCh38, 1-based): chr8:67,115,917, G>A. VCF-style: chr8-67115917-G-A. GRCh37 (hg19) VCF-style: chr8-68028152-G-A.
Other names: c.394G>A, p.Asp132Asn (NM_001291339.2); c.1210G>A, p.Asp404Asn (NM_001363131.2); c.1249G>A, p.Asp417Asn (NM_001363132.2); c.1168G>A, p.Asp390Asn (NM_001363133.2); c.1357G>A, p.Asp453Asn (NM_001364869.1); c.1177G>A, p.Asp393Asn (NM_001364870.1); c.1276G>A, p.Asp426Asn (NM_024790.7); short protein forms D132N, D390N, D393N, D404N, D417N, D426N, D431N, D453N.
Identifiers: ClinVar variation 2413868 (VCV002413868.7), dbSNP rs773019719, ClinGen allele CA4770517.